The following is an entry in ClinVar:

ClinVar aggregate classification (germline): Uncertain significance (1 of 4 stars; one submission).

Submission:

Labcorp Genetics (formerly Invitae), Labcorp
Classification: Uncertain significance. Last evaluated: 2024-06-21. Review status: criteria provided, single submitter. Criteria: Invitae Variant Classification Sherloc (09022015). Collection method: clinical testing. Allele origin: germline.
Comment: This sequence change replaces valine, which is neutral and non-polar, with isoleucine, which is neutral and non-polar, at codon 153 of the FH protein (p.Val153Ile). This variant is not present in population databases (gnomAD no frequency). This variant has not been reported in the literature in individuals affected with FH-related conditions. Advanced modeling of protein sequence and biophysical properties (such as structural, functional, and spatial information, amino acid conservation, physicochemical variation, residue mobility, and thermodynamic stability) has been performed at Invitae for this missense variant, however the output from this modeling did not meet the statistical confidence thresholds required to predict the impact of this variant on FH protein function. In summary, the available evidence is currently insufficient to determine the role of this variant in disease. Therefore, it has been classified as a Variant of Uncertain Significance.

NM_000143.4(FH):c.457G>A (p.Val153Ile)

Gene: FH (fumarate hydratase; minus strand). Cytogenetic location: 1q43.
Variant type: single nucleotide variant.
Coding change: c.457G>A on transcript NM_000143.4 (MANE Select); coding-DNA position 457, G replaced by A.
Protein change: p.Val153Ile; replaces valine 153 with isoleucine.
Molecular consequence: missense variant.
Genome position (GRCh38, 1-based): chr1:241,512,065, C>T on the plus strand (G>A on the coding strand, the complement: FH is on the minus strand). VCF-style: chr1-241512065-C-T. GRCh37 (hg19) VCF-style: chr1-241675365-C-T.
Other names: short protein forms V153I.
Identifiers: ClinVar variation 3657234 (VCV003657234.2).